The following is an entry in ClinVar:

NM_018896.5(CACNA1G):c.6494G>A (p.Arg2165Gln)

Gene: CACNA1G (calcium voltage-gated channel subunit alpha1 G; plus strand). Cytogenetic location: 17q21.33.
Variant type: single nucleotide variant.
Coding change: c.6494G>A on transcript NM_018896.5 (MANE Select); coding-DNA position 6494, G replaced by A.
Protein change: p.Arg2165Gln; replaces arginine 2165 with glutamine.
Molecular consequence: missense variant. On other transcripts: non-coding transcript variant (5), intron variant (3).
Genome position (GRCh38, 1-based): chr17:50,626,111, G>A. VCF-style: chr17-50626111-G-A. GRCh37 (hg19) VCF-style: chr17-48703472-G-A.
Other names: c.6359G>A, p.Arg2120Gln (NM_198385.3); c.6161G>A, p.Arg2054Gln (NM_198386.3); c.6113G>A, p.Arg2038Gln (NM_198387.3, NM_001256329.2); c.6092G>A, p.Arg2031Gln (NM_198388.3); c.6392G>A, p.Arg2131Gln (NM_198396.3); c.6153+29G>A (NM_001256334.2); c.6186+29G>A (NM_001256333.2); c.6084+29G>A (NM_198376.3); and 18 more; short protein forms R2015Q, R2020Q, R2027Q, R2031Q, R2034Q, R2036Q, R2038Q, R2045Q.
Identifiers: ClinVar variation 1698279 (VCV001698279.3), dbSNP rs1187050651, ClinGen allele CA400236716.
Genomic context (GRCh38, chr17:50,626,111, plus strand): 5'-GTCTGGGCAGCCGGGAAGACCTGCTGGCAGAGGTGAGTGGGCCCTCCCCGCCCCTGGCCC[G>A]GGCCTACTCTTTCTGGGGCCAGTCAAGTACCCAGGCACAGCAGCACTCCCGCAGCCACAG-3'
Protein context (NP_061496.2, residues 2155-2175): EVSGPSPPLA[Arg2165Gln]AYSFWGQSST

ClinVar aggregate classification (germline): Uncertain significance (1 of 4 stars; one submission).

Allele frequency attached by ClinVar (database versions not stated): gnomAD exomes 0.00001 and below 0.00001.
gnomAD v4.1: 9 of 1,613,550 alleles (0.00056%); highest among the groups gnomAD compares: South Asian, 0.0011%; no homozygotes.

Submission:

GeneDx
Classification: Uncertain significance. Last evaluated: 2024-03-17. Review status: criteria provided, single submitter. Criteria: GeneDx Variant Classification Process June 2021. Collection method: clinical testing. Allele origin: germline.
Comment: Not observed at significant frequency in large population cohorts (gnomAD); In silico analysis supports that this missense variant does not alter protein structure/function; Has not been previously published as pathogenic or benign to our knowledge